The following is an entry in ClinVar:

NM_004821.3(HAND1):c.629C>T (p.Ala210Val)

Gene: HAND1 (heart and neural crest derivatives expressed 1; minus strand). Cytogenetic location: 5q33.2.
Variant type: single nucleotide variant.
Coding change: c.629C>T on transcript NM_004821.3 (MANE Select); coding-DNA position 629, C replaced by T.
Protein change: p.Ala210Val; replaces alanine 210 with valine.
Molecular consequence: missense variant.
Genome position (GRCh38, 1-based): chr5:154,475,825, G>A on the plus strand (C>T on the coding strand, the complement: HAND1 is on the minus strand). VCF-style: chr5-154475825-G-A. GRCh37 (hg19) VCF-style: chr5-153855385-G-A.
Other names: short protein forms A210V.
Identifiers: ClinVar variation 3645879 (VCV003645879.2).

ClinVar aggregate classification (germline): Uncertain significance (1 of 4 stars; one submission).

Conditions:
Hypoplastic left heart syndrome. Also called: Hypoplastic left heart; Hypoplastic left ventricle. Identifiers: Orphanet 2248, MedGen C0152101, MONDO:0004933, HP:0004383.

Submission:

Labcorp Genetics (formerly Invitae), Labcorp
Classification: Uncertain significance for Hypoplastic left heart syndrome. Last evaluated: 2024-05-07. Review status: criteria provided, single submitter. Criteria: Invitae Variant Classification Sherloc (09022015). Collection method: clinical testing. Allele origin: germline.
Comment: This sequence change replaces alanine, which is neutral and non-polar, with valine, which is neutral and non-polar, at codon 210 of the HAND1 protein (p.Ala210Val). This variant is present in population databases (no rsID available, gnomAD 0.0009%). This variant has not been reported in the literature in individuals affected with HAND1-related conditions. An algorithm developed to predict the effect of missense changes on protein structure and function (PolyPhen-2) suggests that this variant is likely to be disruptive. In summary, the available evidence is currently insufficient to determine the role of this variant in disease. Therefore, it has been classified as a Variant of Uncertain Significance.